The following is an entry in ClinVar:

NM_000548.5(TSC2):c.1161G>A (p.Leu387=)

Gene: TSC2 (TSC complex subunit 2; plus strand). Cytogenetic location: 16p13.3.
Variant type: single nucleotide variant.
Coding change: c.1161G>A on transcript NM_000548.5 (MANE Select); coding-DNA position 1161, G replaced by A.
Protein change: p.Leu387=; no amino-acid change (leucine 387 retained).
Molecular consequence: synonymous variant.
Genome position (GRCh38, 1-based): chr16:2,061,912, G>A. VCF-style: chr16-2061912-G-A. GRCh37 (hg19) VCF-style: chr16-2111913-G-A.
Other names: c.1161G>A, p.Leu387= (NM_001077183.3, NM_001114382.3, NM_001363528.2 and 3 more transcripts); c.1050G>A, p.Leu350= (NM_001318827.2); c.1014G>A, p.Leu338= (NM_001318829.2); c.561G>A, p.Leu187= (NM_001318831.2); c.1194G>A, p.Leu398= (NM_001318832.2).
Identifiers: ClinVar variation 1656662 (VCV001656662.11), dbSNP rs781336082, ClinGen allele CA492961791.
Genomic context (GRCh38, chr16:2,061,912, plus strand): 5'-ATCGTGCCTGGTACTGCAGACCTTGGACAGCCCGGAGCTCAGGACCATCGTCCATGACCT[G>A]TTGACCACGGTGGAGGAGCTGTGTGACCAGAACGAGTTCCACGGGTCTCAGGAGAGATAC-3'
Protein context (NP_000539.2, residues 377-397): SPELRTIVHD[Leu387=]LTTVEELCDQ

ClinVar aggregate classification (germline): Benign/Likely benign. Review status: criteria provided, multiple submitters, no conflicts (2 of 4 stars). 3 submissions from 3 submitters: Benign (1); Likely benign (2). Last evaluated 2025-05-13.

Conditions:
Hereditary cancer-predisposing syndrome. Also called: Hereditary Cancer Syndrome; Neoplastic Syndromes, Hereditary; Hereditary neoplastic syndrome; Tumor predisposition. Identifiers: Orphanet 140162, MedGen C0027672, MeSH D009386, MONDO:0015356.
Tuberous sclerosis 2 (TSC2). Identifiers: Orphanet 805, MedGen C1860707, MONDO:0013199, OMIM 613254.

gnomAD v4.1: 1 of 1,614,208 alleles (0.000062%); highest among the groups gnomAD compares: African/African-American, 0.0013%; no homozygotes.

Submissions (3):

Myriad Genetics, Inc.
Classification: Benign for Tuberous sclerosis 2. Last evaluated: 2025-05-13. Review status: criteria provided, single submitter. Criteria: Myriad Autosomal Dominant, Autosomal Recessive and X-Linked Classification Criteria (2023). Collection method: clinical testing. Allele origin: unknown.
Comment: This variant is considered benign. This variant is a silent/synonymous amino acid change and it is not expected to impact splicing.

Labcorp Genetics (formerly Invitae), Labcorp
Classification: Likely benign for Tuberous sclerosis 2. Last evaluated: 2025-03-02. Review status: criteria provided, single submitter. Criteria: Invitae Variant Classification Sherloc (09022015). Collection method: clinical testing. Allele origin: germline.

Ambry Genetics
Classification: Likely benign for Hereditary cancer-predisposing syndrome. Last evaluated: 2021-12-10. Review status: criteria provided, single submitter. Criteria: Ambry Variant Classification Scheme 2023. Collection method: clinical testing. Allele origin: germline.